The following is an entry in ClinVar:

ClinVar aggregate classification (germline): Uncertain significance. Review status: criteria provided, multiple submitters, no conflicts (2 of 4 stars). 2 submissions from 2 submitters: Uncertain significance (2). Last evaluated 2024-05-22.

Conditions:
Hereditary cancer-predisposing syndrome. Also called: Hereditary Cancer Syndrome; Tumor predisposition; Neoplastic Syndromes, Hereditary; Hereditary neoplastic syndrome. Identifiers: Orphanet 140162, MedGen C0027672, MeSH D009386, MONDO:0015356.
Gorlin syndrome. Also called: Nevoid Basal Cell Carcinoma Syndrome; Basal cell nevus syndrome. Identifiers: Orphanet 377, MedGen C0004779, MONDO:0007187.
Medulloblastoma (MDB). Also called: Medulloblastoma, somatic; MEDULLOBLASTOMA PREDISPOSITION SYNDROME. Identifiers: Orphanet 616, MedGen C0025149, MeSH D008527, MONDO:0007959, OMIM 155255, HP:0002885.

Allele frequency attached by ClinVar (database versions not stated): gnomAD exomes below 0.00001.
gnomAD v4.1: 4 of 1,614,228 alleles (0.00025%); highest among the groups gnomAD compares: Non-Finnish European, 0.00034%; no homozygotes.

Submissions (2):

Labcorp Genetics (formerly Invitae), Labcorp
Classification: Uncertain significance for Gorlin syndrome; Medulloblastoma. Last evaluated: 2024-05-22. Review status: criteria provided, single submitter. Criteria: Invitae Variant Classification Sherloc (09022015). Collection method: clinical testing. Allele origin: germline.
Comment: This sequence change replaces phenylalanine, which is neutral and non-polar, with serine, which is neutral and polar, at codon 417 of the SUFU protein (p.Phe417Ser). This variant is not present in population databases (gnomAD no frequency). This variant has not been reported in the literature in individuals affected with SUFU-related conditions. Advanced modeling of protein sequence and biophysical properties (such as structural, functional, and spatial information, amino acid conservation, physicochemical variation, residue mobility, and thermodynamic stability) performed at Invitae indicates that this missense variant is not expected to disrupt SUFU protein function with a negative predictive value of 80%. In summary, the available evidence is currently insufficient to determine the role of this variant in disease. Therefore, it has been classified as a Variant of Uncertain Significance.

Ambry Genetics
Classification: Uncertain significance for Hereditary cancer-predisposing syndrome. Last evaluated: 2023-10-27. Review status: criteria provided, single submitter. Criteria: Ambry Variant Classification Scheme 2023. Collection method: clinical testing. Allele origin: germline.
Comment: The p.F417S variant (also known as c.1250T>C), located in coding exon 10 of the SUFU gene, results from a T to C substitution at nucleotide position 1250. The phenylalanine at codon 417 is replaced by serine, an amino acid with highly dissimilar properties. This amino acid position is conserved. In addition, the in silico prediction for this alteration is inconclusive. Since supporting evidence is limited at this time, the clinical significance of this alteration remains unclear.

NM_016169.4(SUFU):c.1250T>C (p.Phe417Ser)

Gene: SUFU (SUFU negative regulator of hedgehog signaling; plus strand). Cytogenetic location: 10q24.32.
Variant type: single nucleotide variant.
Coding change: c.1250T>C on transcript NM_016169.4 (MANE Select); coding-DNA position 1250, T replaced by C.
Protein change: p.Phe417Ser; replaces phenylalanine 417 with serine.
Molecular consequence: missense variant.
Genome position (GRCh38, 1-based): chr10:102,617,382, T>C. VCF-style: chr10-102617382-T-C. GRCh37 (hg19) VCF-style: chr10-104377139-T-C.
Other names: c.1250T>C, p.Phe417Ser (NM_001178133.2); short protein forms F417S.
Identifiers: ClinVar variation 3226860 (VCV003226860.3), dbSNP rs2492790358, ClinGen allele CA377916600.